The following is an entry in ClinVar:

ClinVar aggregate classification (germline): Pathogenic (1 of 4 stars; one submission).

Conditions:
Neuronal ceroid lipofuscinosis. Also called: Neuronal Ceroid Lipofuscinoses. Identifiers: Orphanet 216, Orphanet 79263, MedGen C0027877, MONDO:0016295. Disease mechanism: loss of function.

Submission:

Labcorp Genetics (formerly Invitae), Labcorp
Classification: Pathogenic for Neuronal ceroid lipofuscinosis. Last evaluated: 2023-09-27. Review status: criteria provided, single submitter. Criteria: Invitae Variant Classification Sherloc (09022015). Collection method: clinical testing. Allele origin: germline.
Comment: This variant is a gross deletion of the genomic region encompassing exon(s) 1 of the CTSD gene, which includes the initiator codon. This deletion extends beyond the assayed region for this gene and therefore may encompass additional genes. It is expected to result in an absent or disrupted protein product. Loss-of-function variants in CTSD are known to be pathogenic (PMID: 16670177, 26059544). This variant has not been reported in the literature in individuals affected with CTSD-related conditions. For these reasons, this variant has been classified as Pathogenic.

Literature cited by the submitters: PubMed 16670177; PubMed 26059544.

NC_000011.9:g.(?_1785002)_(1785089_?)del

Gene: CTSD (cathepsin D; minus strand). Cytogenetic location: 11p15.5.
Variant type: Deletion.
Identifiers: ClinVar variation 2424316 (VCV002424316.4).